The following is an entry in ClinVar:

NM_001004334.4(GPR179):c.169G>A (p.Glu57Lys)

Gene: GPR179 (G protein-coupled receptor 179; minus strand). Cytogenetic location: 17q12.
Variant type: single nucleotide variant.
Coding change: c.169G>A on transcript NM_001004334.4 (MANE Select); coding-DNA position 169, G replaced by A.
Protein change: p.Glu57Lys; replaces glutamic acid 57 with lysine.
Molecular consequence: missense variant.
Genome position (GRCh38, 1-based): chr17:38,343,621, C>T on the plus strand (G>A on the coding strand, the complement: GPR179 is on the minus strand). VCF-style: chr17-38343621-C-T. GRCh37 (hg19) VCF-style: chr17-36499504-C-T.
Other names: short protein forms E57K.
Identifiers: ClinVar variation 4708231 (VCV004708231.1).

ClinVar aggregate classification (germline): Uncertain significance (1 of 4 stars; one submission).

gnomAD v4.1: 7 of 1,613,638 alleles (0.00043%); highest among the groups gnomAD compares: Admixed American, 0.0017%; no homozygotes.

Submission:

Labcorp Genetics (formerly Invitae), Labcorp
Classification: Uncertain significance. Last evaluated: 2025-10-21. Review status: criteria provided, single submitter. Criteria: Invitae Variant Classification Sherloc (09022015). Collection method: clinical testing. Allele origin: germline.
Comment: This sequence change replaces glutamic acid, which is acidic and polar, with lysine, which is basic and polar, at codon 57 of the GPR179 protein (p.Glu57Lys). This variant is present in population databases (rs765791476, gnomAD 0.0009%). This variant has not been reported in the literature in individuals affected with GPR179-related conditions. An algorithm developed to predict the effect of missense changes on protein structure and function outputs the following: PolyPhen-2: "Benign". The lysine amino acid residue is found in multiple mammalian species, which suggests that this missense change does not adversely affect protein function. In summary, the available evidence is currently insufficient to determine the role of this variant in disease. Therefore, it has been classified as a Variant of Uncertain Significance.